The following is an entry in ClinVar:

NM_000092.5(COL4A4):c.2630G>A (p.Arg877Gln)

Gene: COL4A4 (collagen type IV alpha 4 chain; minus strand). Cytogenetic location: 2q36.3.
Variant type: single nucleotide variant.
Coding change: c.2630G>A on transcript NM_000092.5 (MANE Select); coding-DNA position 2630, G replaced by A.
Protein change: p.Arg877Gln; replaces arginine 877 with glutamine.
Molecular consequence: missense variant.
Genome position (GRCh38, 1-based): chr2:227,056,031, C>T on the plus strand (G>A on the coding strand, the complement: COL4A4 is on the minus strand). VCF-style: chr2-227056031-C-T. GRCh37 (hg19) VCF-style: chr2-227920747-C-T.
Other names: p.Arg877Gln; short protein forms R877Q.
Identifiers: ClinVar variation 255023 (VCV000255023.57), dbSNP rs150979437, ClinGen allele CA2144755.

ClinVar aggregate classification (germline): Conflicting classifications of pathogenicity. Review status: criteria provided, conflicting classifications (1 of 4 stars). 16 submissions from 16 submitters: Uncertain significance (1); Benign (8); Likely benign (3). 4 of the submissions do not count toward it. Last evaluated 2026-04-01.

Conditions:
Alport syndrome. Also called: Hemorrhagic familial nephritis; Hemorrhagic hereditary nephritis; Congenital hereditary hematuria. Identifiers: Orphanet 63, MedGen C1567741, MONDO:0018965.
Autosomal recessive Alport syndrome (ATS2). Also called: Alport syndrome type 2; COL4A3-Related Nephropathy; COL4A4 Alport Syndrome and Thin Basement Membrane Nephropathy; ALPORT SYNDROME 2, AUTOSOMAL RECESSIVE. Identifiers: Orphanet 63, Orphanet 88919, MedGen C4746745, MONDO:0008762, OMIM 203780.

Allele frequency attached by ClinVar (database versions not stated): ESP Exome Variant Server 0.00263; gnomAD exomes 0.00273 and 0.00383; gnomAD 0.00274 and 0.00297; TOPMed 0.00308; ExAC 0.00417; 1000 Genomes Project 30x 0.00484; 1000 Genomes Project 0.00519.
gnomAD v4.1: 4,496 of 1,613,816 alleles (0.28%); highest among the groups gnomAD compares: East Asian, 1.2%; 14 homozygotes.

Submissions (16):

CeGaT Center for Human Genetics Tuebingen
Classification: Likely benign. Last evaluated: 2026-04-01. Review status: criteria provided, single submitter. Criteria: CeGaT Center For Human Genetics Tuebingen Variant Classification Criteria Version 2. Collection method: clinical testing. Allele origin: germline. Affected: yes. Observed: 15 variant alleles.
Comment: COL4A4: BP4

Labcorp Genetics (formerly Invitae), Labcorp
Classification: Benign. Last evaluated: 2026-02-04. Review status: criteria provided, single submitter. Criteria: Invitae Variant Classification Sherloc (09022015). Collection method: clinical testing. Allele origin: germline.

Blueprint Genetics
Classification: Likely benign. Last evaluated: 2024-11-21. Review status: criteria provided, single submitter. Criteria: ACMG Guidelines, 2015. Collection method: clinical testing. Allele origin: germline.

Women's Health and Genetics/Laboratory Corporation of America, LabCorp
Classification: Likely benign. Last evaluated: 2024-05-24. Review status: criteria provided, single submitter. Criteria: LabCorp Variant Classification Summary - May 2015. Collection method: clinical testing. Allele origin: germline.

ARUP Laboratories, Molecular Genetics and Genomics, ARUP Laboratories
Classification: Benign. Last evaluated: 2022-03-11. Review status: criteria provided, single submitter. Criteria: ARUP Molecular Germline Variant Investigation Process 2021. Collection method: clinical testing. Allele origin: germline.

Mayo Clinic Laboratories, Mayo Clinic
Classification: Benign. Last evaluated: 2021-11-23. Review status: criteria provided, single submitter. Criteria: ACMG Guidelines, 2015. Collection method: clinical testing. Allele origin: germline. Observed: 6 variant alleles.
Comment: BA1, BS2

Medical Genetics, University of Parma
Classification: Uncertain significance for Autosomal recessive Alport syndrome. Last evaluated: 2020-03-11. Review status: criteria provided, single submitter. Criteria: ACMG Guidelines, 2015. Collection method: clinical testing. Allele origin: germline. Affected: yes.

GeneDx
Classification: Benign. Last evaluated: 2019-08-20. Review status: criteria provided, single submitter. Criteria: GeneDx Variant Classification Process June 2021. Collection method: clinical testing. Allele origin: germline. Affected: yes.
Comment: This variant is associated with the following publications: (PMID: 17216251, 30819905, 29098738, 12028435, 31180159)

Athena Diagnostics
Classification: Benign. Last evaluated: 2018-10-26. Review status: criteria provided, single submitter. Criteria: Athena Diagnostics Criteria. Collection method: clinical testing. Allele origin: germline.

Illumina Laboratory Services, Illumina
Classification: Benign for Alport syndrome. Last evaluated: 2018-01-12. Review status: criteria provided, single submitter. Criteria: ICSL Variant Classification Criteria 13 December 2019. Collection method: clinical testing. Allele origin: germline.
Comment: This variant was observed in the ICSL laboratory as part of a predisposition screen in an ostensibly healthy population. It had not been previously curated by ICSL or reported in the Human Gene Mutation Database (HGMD: prior to June 1st, 2018), and was therefore a candidate for classification through an automated scoring system. Utilizing variant allele frequency, disease prevalence and penetrance estimates, and inheritance mode, an automated score was calculated to assess if this variant is too frequent to cause the disease. Based on the score and internal cut-off values, a variant classified as benign is not then subjected to further curation. The score for this variant resulted in a classification of benign for this disease.

Laboratory for Molecular Medicine, Mass General Brigham Personalized Medicine
Classification: Benign. Last evaluated: 2016-03-21. Review status: criteria provided, single submitter. Criteria: LMM Criteria. Collection method: clinical testing. Allele origin: germline. Observed: 2 variant alleles.
Comment: p.Arg877Gln in exon 30 of COL4A4: This variant is not expected to have clinical significance because it has been identified in 2.43% (208/8574) of East Asian chromosomes by the Exome Aggregation Consortium (ExAC; dbSNP rs150979437).

PreventionGenetics, part of Exact Sciences
Classification: Benign. Review status: criteria provided, single submitter. Criteria: ACMG Guidelines, 2015. Collection method: clinical testing. Allele origin: germline.

Natera, Inc.
Classification: Benign for Alport syndrome. Last evaluated: 2019-11-06. Review status: no assertion criteria provided. Collection method: clinical testing. Allele origin: germline. Not counted in ClinVar's aggregate classification.

Clinical Genetics DNA and cytogenetics Diagnostics Lab, Erasmus MC, Erasmus Medical Center
Classification: Benign. Review status: no assertion criteria provided. Collection method: clinical testing. Allele origin: germline. Affected: yes. Study: VKGL Data-share Consensus. Not counted in ClinVar's aggregate classification.

Genome Diagnostics Laboratory, University Medical Center Utrecht
Classification: Benign. Review status: no assertion criteria provided. Collection method: clinical testing. Allele origin: germline. Affected: yes. Study: VKGL Data-share Consensus. Not counted in ClinVar's aggregate classification.

Joint Genome Diagnostic Labs from Nijmegen and Maastricht, Radboudumc and MUMC+
Classification: Likely benign. Review status: no assertion criteria provided. Collection method: clinical testing. Allele origin: germline. Affected: yes. Study: VKGL Data-share Consensus. Not counted in ClinVar's aggregate classification.

Literature cited by the submitters: PubMed 12028435 (cited by Athena Diagnostics); PubMed 17216251 (cited by Athena Diagnostics); PubMed 29098738 (cited by Athena Diagnostics).